The following is an entry in ClinVar:

NM_002519.3(NPAT):c.3338A>G (p.Asn1113Ser)

Gene: NPAT (nuclear protein, coactivator of histone transcription; minus strand). Cytogenetic location: 11q22.3.
Variant type: single nucleotide variant.
Coding change: c.3338A>G on transcript NM_002519.3 (MANE Select); coding-DNA position 3338, A replaced by G.
Protein change: p.Asn1113Ser; replaces asparagine 1113 with serine.
Molecular consequence: missense variant.
Genome position (GRCh38, 1-based): chr11:108,161,748, T>C on the plus strand (A>G on the coding strand, the complement: NPAT is on the minus strand). VCF-style: chr11-108161748-T-C. GRCh37 (hg19) VCF-style: chr11-108032475-T-C.
Other names: c.3359A>G, p.Asn1120Ser (NM_001321307.1); short protein forms N1113S, N1120S.
Identifiers: ClinVar variation 3300708 (VCV003300708.1).

ClinVar aggregate classification (germline): Uncertain significance (1 of 4 stars; one submission).

Submission:

Ambry Genetics
Classification: Uncertain significance. Last evaluated: 2024-06-04. Review status: criteria provided, single submitter. Criteria: Ambry Variant Classification Scheme 2023. Collection method: clinical testing. Allele origin: germline.
Comment: The p.N1113S variant (also known as c.3338A>G), located in coding exon 17 of the NPAT gene, results from an A to G substitution at nucleotide position 3338. The asparagine at codon 1113 is replaced by serine, an amino acid with highly similar properties. This amino acid position is conserved. In addition, this alteration is predicted to be tolerated by in silico analysis. Based on the available evidence, the clinical significance of this variant remains unclear.